The following is an entry in ClinVar:

ClinVar aggregate classification (germline): Pathogenic. Review status: criteria provided, multiple submitters, no conflicts (2 of 4 stars). 3 submissions from 3 submitters: Pathogenic (3). Last evaluated 2025-08-31.

Conditions:
Hereditary cancer-predisposing syndrome. Also called: Hereditary neoplastic syndrome; Tumor predisposition; Neoplastic Syndromes, Hereditary; Hereditary Cancer Syndrome. Identifiers: Orphanet 140162, MedGen C0027672, MeSH D009386, MONDO:0015356.
Cardiovascular phenotype. Identifiers: MedGen CN230736.
Neurofibromatosis, type 1 (NF1). Also called: Neurofibromatosis, type I; VON RECKLINGHAUSEN DISEASE; Peripheral type neurofibromatosis; NEUROFIBROMATOSIS, TYPE I, SOMATIC. Identifiers: Orphanet 636, MedGen C0027831, MONDO:0018975, OMIM 162200. Disease mechanism: loss of function.

Allele frequency attached by ClinVar (database versions not stated): gnomAD exomes below 0.00001.
gnomAD v4.1: 2 of 1,613,228 alleles (0.00012%); highest among the groups gnomAD compares: East Asian, 0.0022%; no homozygotes.

Submissions (3):

Labcorp Genetics (formerly Invitae), Labcorp
Classification: Pathogenic for Neurofibromatosis, type 1. Last evaluated: 2025-08-31. Review status: criteria provided, single submitter. Criteria: Invitae Variant Classification Sherloc (09022015). Collection method: clinical testing. Allele origin: germline.
Comment: This sequence change affects a donor splice site in intron 43 of the NF1 gene. It is expected to disrupt RNA splicing. Variants that disrupt the donor or acceptor splice site typically lead to a loss of protein function (PMID: 16199547), and loss-of-function variants in NF1 are known to be pathogenic (PMID: 10712197, 23913538). This variant is present in population databases (no rsID available, gnomAD 0.006%). Disruption of this splice site has been observed in individuals with clinical features of neurofibromatosis type 1 (PMID: 9783703, 15060124, 15146469, 23758643, 30877234, 31370276). Invitae Evidence Modeling of clinical and family history, age, sex, and reported ancestry of multiple individuals with this NF1 variant has been performed. This variant is expected to be pathogenic with a positive predictive value of at least 99%. This is a validated machine learning model that incorporates the clinical features of 1,785,918 individuals referred to our laboratory for NF1 testing. ClinVar contains an entry for this variant (Variation ID: 856149). Algorithms developed to predict the effect of sequence changes on RNA splicing suggest that this variant may disrupt the consensus splice site. For these reasons, this variant has been classified as Pathogenic.

Ambry Genetics
Classification: Pathogenic for Cardiovascular phenotype; Hereditary cancer-predisposing syndrome. Last evaluated: 2025-02-28. Review status: criteria provided, single submitter. Criteria: Ambry Variant Classification Scheme 2023. Collection method: clinical testing. Allele origin: germline.
Comment: The c.6641+1G>C intronic pathogenic mutation results from a G to C substitution one nucleotide after coding exon 43 of the NF1 gene. This variant was reported in individual(s) with features consistent with Neurofibromatosis type 1 (Nemethova M et al. Ann Hum Genet, 2013 Sep;77:364-79; Giugliano T et al. Genes (Basel), 2019 Jul;10:; Ambry internal data). This nucleotide position is highly conserved in available vertebrate species. In silico splice site analysis predicts that this alteration will weaken the native splice donor site. RNA studies have demonstrated that this alteration results in abnormal splicing in the set of samples tested (Ambry internal data). Other variant(s) impacting the same donor site (c.6641+1G>T) have been identified in individual(s) with features consistent with Neurofibromatosis type 1 (Park VM et al. J. Med. Genet. 1998 Oct;35(10):813-20; Ambry internal data). Alterations that disrupt the canonical splice site are expected to cause aberrant splicing, resulting in an abnormal protein or a transcript that is subject to nonsense-mediated mRNA decay. Based on the supporting evidence, this variant is interpreted as a disease-causing mutation.

GeneDx
Classification: Pathogenic. Last evaluated: 2024-11-25. Review status: criteria provided, single submitter. Criteria: GeneDx Variant Classification Process June 2021. Collection method: clinical testing. Allele origin: germline. Affected: yes.
Comment: Canonical splice site variant predicted to result in a null allele in a gene for which loss of function is a known mechanism of disease; This variant is associated with the following publications: (PMID: 30877234, 31370276, 23758643)

Literature cited by the submitters: PubMed 16199547 (cited by Labcorp Genetics (formerly Invitae), Labcorp); PubMed 10712197 (cited by Labcorp Genetics (formerly Invitae), Labcorp); PubMed 23913538 (cited by Labcorp Genetics (formerly Invitae), Labcorp); PubMed 9783703 (cited by Labcorp Genetics (formerly Invitae), Labcorp); PubMed 15060124 (cited by Labcorp Genetics (formerly Invitae), Labcorp); PubMed 15146469 (cited by Labcorp Genetics (formerly Invitae), Labcorp); PubMed 23758643 (cited by Labcorp Genetics (formerly Invitae), Labcorp and Ambry Genetics); PubMed 30877234 (cited by Labcorp Genetics (formerly Invitae), Labcorp); PubMed 31370276 (cited by Labcorp Genetics (formerly Invitae), Labcorp and Ambry Genetics).

NM_001042492.3(NF1):c.6704+1G>C

Gene: NF1 (neurofibromin 1; plus strand). Cytogenetic location: 17q11.2.
Variant type: single nucleotide variant.
Coding change: c.6704+1G>C on transcript NM_001042492.3 (MANE Select); the canonical splice donor site of the intron after coding-DNA position 6704, G replaced by C.
Molecular consequence: splice donor variant.
Genome position (GRCh38, 1-based): chr17:31,337,881, G>C. VCF-style: chr17-31337881-G-C. GRCh37 (hg19) VCF-style: chr17-29664899-G-C.
Other names: c.6641+1G>C (NM_000267.4).
Identifiers: ClinVar variation 856149 (VCV000856149.11), dbSNP rs1060500376, ClinGen allele CA399013964.